The following is an entry in ClinVar:

NM_003982.4(SLC7A7):c.1116C>G (p.Tyr372Ter)

Gene: SLC7A7 (solute carrier family 7 member 7; minus strand). Cytogenetic location: 14q11.2.
Variant type: single nucleotide variant.
Coding change: c.1116C>G on transcript NM_003982.4 (MANE Select); coding-DNA position 1116, C replaced by G.
Protein change: p.Tyr372Ter; replaces tyrosine 372 with a stop codon.
Molecular consequence: nonsense.
Genome position (GRCh38, 1-based): chr14:22,774,483, G>C on the plus strand (C>G on the coding strand, the complement: SLC7A7 is on the minus strand). VCF-style: chr14-22774483-G-C. GRCh37 (hg19) VCF-style: chr14-23243692-G-C.
Other names: c.1116C>G, p.Tyr372Ter (NM_001126105.3, NM_001126106.4); c.1116C>G (NM_001126106.2); short protein forms Y372*.
Identifiers: ClinVar variation 1071587 (VCV001071587.11), dbSNP rs773357652, ClinGen allele CA7104476.

ClinVar aggregate classification (germline): Pathogenic/Likely pathogenic. Review status: criteria provided, multiple submitters, no conflicts (2 of 4 stars). 3 submissions from 3 submitters: Pathogenic (2); Likely pathogenic (1). Last evaluated 2025-11-23.

Conditions:
Lysinuric protein intolerance (LPI). Identifiers: Orphanet 470, MedGen C0268647, MONDO:0009109, OMIM 222700.

Allele frequency attached by ClinVar (database versions not stated): ExAC 0.00001; gnomAD exomes 0.00001 and 0.00002.
gnomAD v4.1: 9 of 1,614,164 alleles (0.00056%); highest among the groups gnomAD compares: South Asian, 0.0099%; no homozygotes.

Submissions (3):

Labcorp Genetics (formerly Invitae), Labcorp
Classification: Pathogenic for Lysinuric protein intolerance. Last evaluated: 2025-11-23. Review status: criteria provided, single submitter. Criteria: Invitae Variant Classification Sherloc (09022015). Collection method: clinical testing. Allele origin: germline.
Comment: This sequence change creates a premature translational stop signal (p.Tyr372*) in the SLC7A7 gene. It is expected to result in an absent or disrupted protein product. Loss-of-function variants in SLC7A7 are known to be pathogenic (PMID: 10631139, 17764084). This variant is present in population databases (rs773357652, gnomAD 0.006%). This variant has not been reported in the literature in individuals affected with SLC7A7-related conditions. ClinVar contains an entry for this variant (Variation ID: 1071587). Algorithms developed to predict the effect of sequence changes on RNA splicing suggest that this variant may disrupt the consensus splice site. For these reasons, this variant has been classified as Pathogenic.

Natera, Inc.
Classification: Pathogenic for Lysinuric protein intolerance. Last evaluated: 2025-09-11. Review status: criteria provided, single submitter. Criteria: Natera Variant Classification Schema (03/2026). Collection method: clinical testing. Allele origin: germline.
Comment: The c.1116C>G variant in SLC7A7 is a nonsense variant predicted to introduce a stop codon at amino acid 372. This variant is expected to result in nonsense mediated decay, truncation, or a dysfunctional protein product. This variant is rare in the general population with a frequency below the threshold expected for the associated phenotype(s). This variant has been observed in one or more individuals affected with the associated recessive disease, as either homozygous or compound heterozygous with a second variant (PMID: 38703326). Given the available evidence, this variant is classified as Pathogenic.

Revvity Omics, Revvity
Classification: Likely pathogenic for Lysinuric protein intolerance. Last evaluated: 2024-02-21. Review status: criteria provided, single submitter. Criteria: ACMG Guidelines, 2015. Collection method: clinical testing. Allele origin: germline.

Literature cited by the submitters: PubMed 10631139 (cited by Labcorp Genetics (formerly Invitae), Labcorp); PubMed 17764084 (cited by Labcorp Genetics (formerly Invitae), Labcorp); PubMed 38703326 (cited by Natera, Inc.).